The following is an entry in ClinVar:

NM_002392.6(MDM2):c.14+5T>G

Genes: MDM2 (MDM2 proto-oncogene; plus strand), LOC126861563 (CDK7 strongly-dependent group 2 enhancer GRCh37_chr12:69202246-69203445; plus strand). Cytogenetic location: 12q15.
Variant type: single nucleotide variant.
Coding change: c.14+5T>G on transcript NM_002392.6 (MANE Select); 5 bases into the intron after coding-DNA position 14, T replaced by G.
Molecular consequence: intron variant.
Genome position (GRCh38, 1-based): chr12:68,808,496, T>G. VCF-style: chr12-68808496-T-G. GRCh37 (hg19) VCF-style: chr12-69202276-T-G.
Other names: c.14+5T>G (NM_001145339.2).
Identifiers: ClinVar variation 2056831 (VCV002056831.4), dbSNP rs773662223, ClinGen allele CA238469694.

ClinVar aggregate classification (germline): Uncertain significance (1 of 4 stars; one submission).

Conditions:
Accelerated tumor formation, susceptibility to (ACTFS). Identifiers: MedGen C3280690, OMIM 614401, MONDO:0013733.

Allele frequency attached by ClinVar (database versions not stated): gnomAD exomes below 0.00001.
gnomAD v4.1: 3 of 1,614,130 alleles (0.00019%); highest among the groups gnomAD compares: Non-Finnish European, 0.00025%; no homozygotes.

Submission:

Labcorp Genetics (formerly Invitae), Labcorp
Classification: Uncertain significance for Accelerated tumor formation, susceptibility to. Last evaluated: 2022-09-15. Review status: criteria provided, single submitter. Criteria: Invitae Variant Classification Sherloc (09022015). Collection method: clinical testing. Allele origin: germline.
Comment: This sequence change falls in intron 1 of the MDM2 gene. It does not directly change the encoded amino acid sequence of the MDM2 protein. It affects a nucleotide within the consensus splice site. This variant is not present in population databases (gnomAD no frequency). This variant has not been reported in the literature in individuals affected with MDM2-related conditions. Variants that disrupt the consensus splice site are a relatively common cause of aberrant splicing (PMID: 17576681, 9536098). Algorithms developed to predict the effect of sequence changes on RNA splicing suggest that this variant is not likely to affect RNA splicing. In summary, the available evidence is currently insufficient to determine the role of this variant in disease. Therefore, it has been classified as a Variant of Uncertain Significance.

Literature cited by the submitters: PubMed 17576681; PubMed 9536098.